The following is an entry in ClinVar:

ClinVar aggregate classification (germline): Uncertain significance. Review status: criteria provided, multiple submitters, no conflicts (2 of 4 stars). 3 submissions from 3 submitters: Uncertain significance (3). Last evaluated 2025-05-29.

Conditions:
Inborn genetic diseases. Identifiers: MedGen C0950123, MeSH D030342.
Warts, hypogammaglobulinemia, infections, and myelokathexis. Also called: WHIM syndrome. Identifiers: MedGen C0472817, MONDO:0023880.

Allele frequency attached by ClinVar (database versions not stated): gnomAD exomes below 0.00001 and 0.00001; TOPMed below 0.00001; ExAC 0.00001.
gnomAD v4.1: 20 of 1,614,210 alleles (0.0012%); highest among the groups gnomAD compares: Non-Finnish European, 0.0014%; no homozygotes.

Submissions (3):

Ambry Genetics
Classification: Uncertain significance for Inborn genetic diseases. Last evaluated: 2025-05-29. Review status: criteria provided, single submitter. Criteria: Ambry Variant Classification Scheme 2023. Collection method: clinical testing. Allele origin: germline.

Labcorp Genetics (formerly Invitae), Labcorp
Classification: Uncertain significance for Warts, hypogammaglobulinemia, infections, and myelokathexis. Last evaluated: 2025-05-23. Review status: criteria provided, single submitter. Criteria: Invitae Variant Classification Sherloc (09022015). Collection method: clinical testing. Allele origin: germline.
Comment: This sequence change replaces asparagine, which is neutral and polar, with serine, which is neutral and polar, at codon 37 of the CXCR4 protein (p.Asn37Ser). This variant is present in population databases (rs749938835, gnomAD 0.0009%). This variant has not been reported in the literature in individuals affected with CXCR4-related conditions. ClinVar contains an entry for this variant (Variation ID: 1501694). An algorithm developed to predict the effect of missense changes on protein structure and function (PolyPhen-2) suggests that this variant is likely to be disruptive. In summary, the available evidence is currently insufficient to determine the role of this variant in disease. Therefore, it has been classified as a Variant of Uncertain Significance.

Blueprint Genetics
Classification: Uncertain significance. Last evaluated: 2020-06-09. Review status: criteria provided, single submitter. Criteria: ACMG Guidelines, 2015. Collection method: clinical testing. Allele origin: germline.

NM_003467.3(CXCR4):c.110A>G (p.Asn37Ser)

Gene: CXCR4 (C-X-C motif chemokine receptor 4; minus strand). Cytogenetic location: 2q22.1.
Variant type: single nucleotide variant.
Coding change: c.110A>G on transcript NM_003467.3 (MANE Select); coding-DNA position 110, A replaced by G.
Protein change: p.Asn37Ser; replaces asparagine 37 with serine.
Molecular consequence: missense variant.
Genome position (GRCh38, 1-based): chr2:136,115,818, T>C on the plus strand (A>G on the coding strand, the complement: CXCR4 is on the minus strand). VCF-style: chr2-136115818-T-C. GRCh37 (hg19) VCF-style: chr2-136873388-T-C.
Other names: c.110A>G (NM_003467.2); c.122A>G, p.Asn41Ser (NM_001008540.2); c.323A>G, p.Asn108Ser (NM_001348056.2); c.209A>G, p.Asn70Ser (NM_001348059.2); c.65A>G, p.Asn22Ser (NM_001348060.2); short protein forms N108S, N22S, N41S, N70S, N37S.
Identifiers: ClinVar variation 1501694 (VCV001501694.10), dbSNP rs749938835, ClinGen allele CA1890157.